The following is an entry in ClinVar:

NM_001352514.2(HLCS):c.1436A>G (p.Gln479Arg)

Gene: HLCS (holocarboxylase synthetase; minus strand). Cytogenetic location: 21q22.13.
Variant type: single nucleotide variant.
Coding change: c.1436A>G on transcript NM_001352514.2 (MANE Select); coding-DNA position 1436, A replaced by G.
Protein change: p.Gln479Arg; replaces glutamine 479 with arginine.
Molecular consequence: missense variant. On other transcripts: non-coding transcript variant (2).
Genome position (GRCh38, 1-based): chr21:36,936,450, T>C on the plus strand (A>G on the coding strand, the complement: HLCS is on the minus strand). VCF-style: chr21-36936450-T-C. GRCh37 (hg19) VCF-style: chr21-38308750-T-C.
Other names: c.995A>G, p.Gln332Arg (NM_000411.8, NM_001242784.3, NM_001242785.2 and 4 more transcripts); short protein forms Q332R, Q479R.
Identifiers: ClinVar variation 1374881 (VCV001374881.6), dbSNP rs899013389, ClinGen allele CA320395065.
Genomic context (GRCh38, chr21:36,936,450, plus strand): 5'-CCCTCGCAAAAATACCCACAGATACCCAAAGATCACCAAATCCATGCTGCCCTGAGTACC[T>C]GGCAAAGAACAGCTTCTCCCCCGCGAGTTCCAAAAGGCACATGCACAATCATCCTGTCCT-3'
Protein context (NP_001339443.1, residues 469-489): GTRGGEAVLC[Gln479Arg]VHLELPPSSN

ClinVar aggregate classification (germline): Conflicting classifications of pathogenicity. Review status: criteria provided, conflicting classifications (1 of 4 stars). 2 submissions from 2 submitters: Pathogenic (1); Uncertain significance (1). Last evaluated 2026-04-09.

Conditions:
Holocarboxylase synthetase deficiency. Also called: MULTIPLE CARBOXYLASE DEFICIENCY, EARLY ONSET. Identifiers: Orphanet 79242, MedGen C0268581, MONDO:0009666, OMIM 253270.

Allele frequency attached by ClinVar (database versions not stated): gnomAD exomes below 0.00001; gnomAD 0.00001; TOPMed 0.00001.

Submissions (2):

Stanford Starfish Project, Stanford University
Classification: Pathogenic for Holocarboxylase synthetase deficiency. Last evaluated: 2026-04-09. Review status: criteria provided, single submitter. Criteria: ACMG Guidelines, 2015. Collection method: provider interpretation. Allele origin: maternal. Inheritance: Autosomal recessive inheritance. Affected: yes. Observed: 1 variant allele, 1 compound heterozygote.
Comment: This variant is predicted to result in the substitution of glutamine by arginine at amino acid 332 (p.Gln332Arg). This variant is rare in large population databases with an allele frequency of 0.0004009%. See Observation 1 for details on clinical features. Variant confirmed to be in trans with another variant in HLCS currently classified as VUS (c.1825C>T, p.Pro609Ser)

Labcorp Genetics (formerly Invitae), Labcorp
Classification: Uncertain significance for Holocarboxylase synthetase deficiency. Last evaluated: 2021-08-24. Review status: criteria provided, single submitter. Criteria: Invitae Variant Classification Sherloc (09022015). Collection method: clinical testing. Allele origin: germline.
Comment: This sequence change replaces glutamine with arginine at codon 332 of the HLCS protein (p.Gln332Arg). The glutamine residue is highly conserved and there is a small physicochemical difference between glutamine and arginine. This variant is not present in population databases (ExAC no frequency). This variant has not been reported in the literature in individuals affected with HLCS-related conditions. Algorithms developed to predict the effect of missense changes on protein structure and function are either unavailable or do not agree on the potential impact of this missense change (SIFT: "Tolerated"; PolyPhen-2: "Possibly Damaging"; Align-GVGD: "Class C0"). Algorithms developed to predict the effect of sequence changes on RNA splicing suggest that this variant may disrupt the consensus splice site. In summary, the available evidence is currently insufficient to determine the role of this variant in disease. Therefore, it has been classified as a Variant of Uncertain Significance.